The following is an entry in ClinVar:

ClinVar aggregate classification (germline): Uncertain significance. Review status: criteria provided, multiple submitters, no conflicts (2 of 4 stars). 2 submissions from 2 submitters: Uncertain significance (2). Last evaluated 2025-09-11.

Conditions:
Inborn genetic diseases. Identifiers: MedGen C0950123, MeSH D030342.
Hereditary spastic paraplegia 31. Also called: SPASTIC PARAPLEGIA 31, AUTOSOMAL DOMINANT. Identifiers: Orphanet 101011, MedGen C1853247, MONDO:0012453, OMIM 610250.

Submissions (2):

Ambry Genetics
Classification: Uncertain significance for Inborn genetic diseases. Last evaluated: 2025-09-11. Review status: criteria provided, single submitter. Criteria: Ambry Variant Classification Scheme 2023. Collection method: clinical testing. Allele origin: germline.

Labcorp Genetics (formerly Invitae), Labcorp
Classification: Uncertain significance for Hereditary spastic paraplegia 31. Last evaluated: 2022-03-18. Review status: criteria provided, single submitter. Criteria: Invitae Variant Classification Sherloc (09022015). Collection method: clinical testing. Allele origin: germline.
Comment: This sequence change replaces methionine, which is neutral and non-polar, with leucine, which is neutral and non-polar, at codon 153 of the REEP1 protein (p.Met153Leu). This variant is not present in population databases (gnomAD no frequency). This variant has not been reported in the literature in individuals affected with REEP1-related conditions. Algorithms developed to predict the effect of missense changes on protein structure and function (SIFT, PolyPhen-2, Align-GVGD) all suggest that this variant is likely to be tolerated. In summary, the available evidence is currently insufficient to determine the role of this variant in disease. Therefore, it has been classified as a Variant of Uncertain Significance.

NM_001371279.1(REEP1):c.457A>C (p.Met153Leu)

Gene: REEP1 (receptor accessory protein 1; minus strand). Cytogenetic location: 2p11.2.
Variant type: single nucleotide variant.
Coding change: c.457A>C on transcript NM_001371279.1 (MANE Select); coding-DNA position 457, A replaced by C.
Protein change: p.Met153Leu; replaces methionine 153 with leucine.
Molecular consequence: missense variant. On other transcripts: synonymous variant (1), intron variant (1).
Genome position (GRCh38, 1-based): chr2:86,232,763, T>G on the plus strand (A>C on the coding strand, the complement: REEP1 is on the minus strand). VCF-style: chr2-86232763-T-G. GRCh37 (hg19) VCF-style: chr2-86459886-T-G.
Other names: c.478A>C, p.Met160Leu (NM_001164730.2); c.376A>C, p.Met126Leu (NM_001164731.2); c.222A>C, p.Ala74= (NM_001164732.2); c.457A>C, p.Met153Leu (NM_001410855.1, NM_001410856.1, NM_022912.3); c.418-15653A>C (NM_001371280.1); short protein forms M160L, M126L, M153L.
Identifiers: ClinVar variation 1936108 (VCV001936108.6), dbSNP rs1256261154, ClinGen allele CA347547503.